The following is an entry in ClinVar:

ClinVar aggregate classification (germline): Likely benign (1 of 4 stars; one submission).

Submission:

CeGaT Center for Human Genetics Tuebingen
Classification: Likely benign. Last evaluated: 2026-09-01. Review status: criteria provided, single submitter. Criteria: CeGaT Center For Human Genetics Tuebingen Variant Classification Criteria Version 2. Collection method: clinical testing. Allele origin: germline. Affected: yes. Observed: 9 variant alleles.
Comment: PDGFB: BS2

NM_002608.4(PDGFB):c.63+943_63+948dup

Gene: PDGFB (platelet derived growth factor subunit B; minus strand). Cytogenetic location: 22q13.1.
Variant type: Duplication.
Coding change: c.63+943_63+948dup on transcript NM_002608.4 (MANE Select); bases 943 to 948 of the intron after coding-DNA position 63, 6 bases duplicated (AGCCGT; older notation c.63+943_63+948dupAGCCGT).
Molecular consequence: intron variant.
Genome position (GRCh38, 1-based): chr22:39,242,953-39,242,958, ACGGCT duplicated on the plus strand (AGCCGT on the coding strand, the reverse complement: PDGFB is on the minus strand); duplicating any 6 consecutive bases within chr22:39,242,953-39,242,961 gives the same sequence; the c. name uses the placement nearest the transcript's 3' end. VCF-style (leftmost placement, unchanged base first): chr22-39242952-C-CACGGCT. GRCh37 (hg19) VCF-style: chr22-39638957-C-CACGGCT.
Identifiers: ClinVar variation 2653144 (VCV002653144.23), dbSNP rs530364045, ClinGen allele CA324368344.